The following is an entry in ClinVar:

ClinVar aggregate classification (germline): Uncertain significance. Review status: criteria provided, multiple submitters, no conflicts (2 of 4 stars). 2 submissions from 2 submitters: Uncertain significance (2). Last evaluated 2025-10-14.

Allele frequency attached by ClinVar (database versions not stated): gnomAD exomes 0.00001 and 0.00008; gnomAD 0.00003 and 0.00005; TOPMed 0.00003; ExAC 0.00007; 1000 Genomes Project 0.00060; 1000 Genomes Project 30x 0.00062.
gnomAD v4.1: 22 of 1,367,564 alleles (0.0016%); highest among the groups gnomAD compares: East Asian, 0.1%; no homozygotes.

Submissions (2):

Labcorp Genetics (formerly Invitae), Labcorp
Classification: Uncertain significance. Last evaluated: 2025-10-14. Review status: criteria provided, single submitter. Criteria: Invitae Variant Classification Sherloc (09022015). Collection method: clinical testing. Allele origin: germline.
Comment: This sequence change replaces arginine, which is basic and polar, with threonine, which is neutral and polar, at codon 1405 of the ERCC6L2 protein (p.Arg1405Thr). This variant is present in population databases (rs187246898, gnomAD 0.09%). This variant has not been reported in the literature in individuals affected with ERCC6L2-related conditions. ClinVar contains an entry for this variant (Variation ID: 1522400). Experimental studies and prediction algorithms are not available or were not evaluated, and the functional significance of this variant is currently unknown. In summary, the available evidence is currently insufficient to determine the role of this variant in disease. Therefore, it has been classified as a Variant of Uncertain Significance.

GeneDx
Classification: Uncertain significance. Last evaluated: 2022-09-15. Review status: criteria provided, single submitter. Criteria: GeneDx Variant Classification Process June 2021. Collection method: clinical testing. Allele origin: germline. Affected: yes.
Comment: In silico analysis supports that this missense variant does not alter protein structure/function; Has not been previously published as pathogenic or benign to our knowledge

NM_020207.7(ERCC6L2):c.4181G>C (p.Arg1394Thr)

Gene: ERCC6L2 (ERCC excision repair 6 like 2; plus strand). Cytogenetic location: 9q22.32.
Variant type: single nucleotide variant.
Coding change: c.4181G>C on transcript NM_020207.7 (MANE Select); coding-DNA position 4181, G replaced by C.
Protein change: p.Arg1394Thr; replaces arginine 1394 with threonine.
Molecular consequence: missense variant. On other transcripts: non-coding transcript variant (1), intron variant (2).
Genome position (GRCh38, 1-based): chr9:96,012,731, G>C. VCF-style: chr9-96012731-G-C. GRCh37 (hg19) VCF-style: chr9-98775013-G-C.
Other names: c.4214G>C (NM_020207.4); c.3674+8030G>C (NM_001375291.1, NM_001375292.1); short protein forms R1394T.
Identifiers: ClinVar variation 1522400 (VCV001522400.6), dbSNP rs187246898, ClinGen allele CA5140074.